The following is an entry in ClinVar:

ClinVar aggregate classification (germline): Uncertain significance. Review status: criteria provided, multiple submitters, no conflicts (2 of 4 stars). 2 submissions from 2 submitters: Uncertain significance (2). Last evaluated 2024-10-17.

Conditions:
Hereditary cancer-predisposing syndrome. Also called: Neoplastic Syndromes, Hereditary; Hereditary Cancer Syndrome; Tumor predisposition; Hereditary neoplastic syndrome. Identifiers: Orphanet 140162, MedGen C0027672, MeSH D009386, MONDO:0015356.
Multiple endocrine neoplasia, type 2 (MEN2). Identifiers: Orphanet 653, MedGen C4048306, MONDO:0019003. Disease mechanism: gain of function.

Submissions (2):

Ambry Genetics
Classification: Uncertain significance for Hereditary cancer-predisposing syndrome. Last evaluated: 2024-10-17. Review status: criteria provided, single submitter. Criteria: Ambry Variant Classification Scheme 2023. Collection method: clinical testing. Allele origin: germline.
Comment: The c.3036_3038delGAG variant (also known as p.R1013del) is located in coding exon 18 of the RET gene. This variant results from an in-frame GAG deletion at nucleotide positions 3036 to 3038. This results in the in-frame deletion of an arginine residue at codon 1013. This amino acid position is highly conserved in available vertebrate species. In addition, this alteration is predicted to be deleterious by in silico analysis (Choi Y et al. PLoS ONE. 2012; 7(10):e46688). Based on the available evidence, the clinical significance of this variant remains unclear.

Labcorp Genetics (formerly Invitae), Labcorp
Classification: Uncertain significance for Multiple endocrine neoplasia, type 2. Last evaluated: 2024-02-05. Review status: criteria provided, single submitter. Criteria: Invitae Variant Classification Sherloc (09022015). Collection method: clinical testing. Allele origin: germline.
Comment: This variant, c.3036_3038del, results in the deletion of 1 amino acid(s) of the RET protein (p.Arg1013del), but otherwise preserves the integrity of the reading frame. This variant is not present in population databases (gnomAD no frequency). This variant has not been reported in the literature in individuals affected with RET-related conditions. ClinVar contains an entry for this variant (Variation ID: 945144). Experimental studies and prediction algorithms are not available or were not evaluated, and the functional significance of this variant is currently unknown. In summary, the available evidence is currently insufficient to determine the role of this variant in disease. Therefore, it has been classified as a Variant of Uncertain Significance.

NM_020975.6(RET):c.3033GAG[1] (p.Arg1013del)

Gene: RET (ret proto-oncogene; plus strand). Cytogenetic location: 10q11.21.
Variant type: Microsatellite.
Coding change: c.3033GAG[1] on transcript NM_020975.6 (MANE Select); one copy of the 3-base unit GAG starting at c.3033; the reference has two copies in a row; one copy, 3 bases deleted; also written c.3036_3038del.
Protein change: p.Arg1013del; deletes arginine 1013.
Molecular consequence: inframe deletion. On other transcripts: frameshift variant (44).
Genome position (GRCh38, 1-based): chr10:43,124,979-43,124,981, GAG deleted; deleting any 3 consecutive bases within chr10:43,124,976-43,124,981 gives the same sequence; the position shown is the placement nearest the transcript's 3' end. VCF-style (leftmost placement, unchanged base first): chr10-43124975-AGAG-A. GRCh37 (hg19) VCF-style: chr10-43620423-AGAG-A.
Other names: c.3033_3039+1GAG[1], p.Lys1011_Arg1013(?) (NM_000323.2, NM_001406743.1, NM_001406744.1 and 5 more transcripts); c.2271_2277+1GAG[1], p.Lys757_Arg759(?) (NM_001355216.2); c.2904_2910+1GAG[1], p.Lys968_Arg970(?) (NM_001406761.1, NM_001406762.1, NM_001406764.1); c.2898_2904+1GAG[1], p.Lys966_Arg968(?) (NM_001406763.1, NM_001406765.1); c.2745_2751+1GAG[1], p.Lys915_Arg917(?) (NM_001406766.1, NM_001406767.1, NM_001406770.1); c.2769_2775+1GAG[1], p.Lys923_Arg925(?) (NM_001406768.1); c.2637_2643+1GAG[1], p.Lys879_Arg881(?) (NM_001406769.1, NM_001406772.1); c.2595_2601+1GAG[1], p.Lys865_Arg867(?) (NM_001406771.1, NM_001406773.1); and 11 more; short protein forms R1013del, R759del.
Identifiers: ClinVar variation 945144 (VCV000945144.15), dbSNP rs1838299309, ClinGen allele CA1905826610.